The following is an entry in ClinVar:

ClinVar aggregate classification (germline): Uncertain significance (1 of 4 stars; one submission).

Submission:

Labcorp Genetics (formerly Invitae), Labcorp
Classification: Uncertain significance. Last evaluated: 2025-05-11. Review status: criteria provided, single submitter. Criteria: Invitae Variant Classification Sherloc (09022015). Collection method: clinical testing. Allele origin: germline.
Comment: This sequence change replaces glycine, which is neutral and non-polar, with cysteine, which is neutral and slightly polar, at codon 466 of the UNC45A protein (p.Gly466Cys). This variant is not present in population databases (gnomAD no frequency). This variant has not been reported in the literature in individuals affected with UNC45A-related conditions. Invitae Evidence Modeling of protein sequence and biophysical properties (such as structural, functional, and spatial information, amino acid conservation, physicochemical variation, residue mobility, and thermodynamic stability) indicates that this missense variant is expected to disrupt UNC45A protein function with a positive predictive value of 80%. In summary, the available evidence is currently insufficient to determine the role of this variant in disease. Therefore, it has been classified as a Variant of Uncertain Significance.

NM_018671.5(UNC45A):c.1396G>T (p.Gly466Cys)

Gene: UNC45A (unc-45 myosin chaperone A; plus strand). Cytogenetic location: 15q26.1.
Variant type: single nucleotide variant.
Coding change: c.1396G>T on transcript NM_018671.5 (MANE Select); coding-DNA position 1396, G replaced by T.
Protein change: p.Gly466Cys; replaces glycine 466 with cysteine.
Molecular consequence: missense variant.
Genome position (GRCh38, 1-based): chr15:90,946,810, G>T. VCF-style: chr15-90946810-G-T. GRCh37 (hg19) VCF-style: chr15-91490040-G-T.
Other names: c.1351G>T, p.Gly451Cys (NM_001039675.2, NM_001323621.2); c.1396G>T, p.Gly466Cys (NM_001323619.1); c.961G>T, p.Gly321Cys (NM_001323620.2); short protein forms G451C, G466C, G321C.
Identifiers: ClinVar variation 4782250 (VCV004782250.1).
Genomic context (GRCh38, chr15:90,946,810, plus strand): 5'-TGTGCCTCTGAGCAGGAGGAGGAGCAGCTGGTGGCCGTGGAGGCTCTGATCCATGCAGCC[G>T]GCAAGGCTAAGCGGGCCTCATTCATCACTGCCAATGGTGTCTCGCTGCTGAAGGACCTAT-3'
Protein context (NP_061141.2, residues 456-476): VAVEALIHAA[Gly466Cys]KAKRASFITA